The following is an entry in ClinVar:

NM_000051.4(ATM):c.2644A>G (p.Ile882Val)

Gene: ATM (ATM serine/threonine kinase; plus strand). Cytogenetic location: 11q22.3.
Variant type: single nucleotide variant.
Coding change: c.2644A>G on transcript NM_000051.4 (MANE Select); coding-DNA position 2644, A replaced by G.
Protein change: p.Ile882Val; replaces isoleucine 882 with valine.
Molecular consequence: missense variant.
Genome position (GRCh38, 1-based): chr11:108,268,415, A>G. VCF-style: chr11-108268415-A-G. GRCh37 (hg19) VCF-style: chr11-108139142-A-G.
Other names: c.2644A>G, p.Ile882Val (NM_001351834.2); short protein forms I882V.
Identifiers: ClinVar variation 2568147 (VCV002568147.2), dbSNP rs746424711, ClinGen allele CA6265093.

ClinVar aggregate classification (germline): Uncertain significance (1 of 4 stars; one submission).

Conditions:
Hereditary cancer-predisposing syndrome. Also called: Hereditary neoplastic syndrome; Hereditary Cancer Syndrome; Neoplastic Syndromes, Hereditary; Tumor predisposition. Identifiers: Orphanet 140162, MedGen C0027672, MeSH D009386, MONDO:0015356.

Allele frequency attached by ClinVar (database versions not stated): ExAC 0.00001; gnomAD exomes 0.00001.
gnomAD v4.1: 4 of 1,613,548 alleles (0.00025%); highest among the groups gnomAD compares: South Asian, 0.0011%; no homozygotes.

Submission:

Ambry Genetics
Classification: Uncertain significance for Hereditary cancer-predisposing syndrome. Last evaluated: 2023-04-07. Review status: criteria provided, single submitter. Criteria: Ambry Variant Classification Scheme 2023. Collection method: clinical testing. Allele origin: germline.
Comment: The p.I882V variant (also known as c.2644A>G), located in coding exon 17 of the ATM gene, results from an A to G substitution at nucleotide position 2644. The isoleucine at codon 882 is replaced by valine, an amino acid with highly similar properties. This alteration has been reported in normal population control subjects (Tiao G et al. Leukemia, 2017 Oct;31:2244-2247). This amino acid position is poorly conserved in available vertebrate species. In addition, this alteration is predicted to be tolerated by in silico analysis. Since supporting evidence is limited at this time, the clinical significance of this alteration remains unclear.

Literature cited by the submitters: PubMed 28652578.